The following is an entry in ClinVar:

ClinVar aggregate classification (germline): Uncertain significance (1 of 4 stars; one submission).

Allele frequency attached by ClinVar (database versions not stated): gnomAD exomes below 0.00001.
gnomAD v4.1: 2 of 1,551,740 alleles (0.00013%); highest among the groups gnomAD compares: Non-Finnish European, 0.00017%; no homozygotes.

Submission:

Labcorp Genetics (formerly Invitae), Labcorp
Classification: Uncertain significance. Last evaluated: 2023-05-16. Review status: criteria provided, single submitter. Criteria: Invitae Variant Classification Sherloc (09022015). Collection method: clinical testing. Allele origin: germline.
Comment: In summary, the available evidence is currently insufficient to determine the role of this variant in disease. Therefore, it has been classified as a Variant of Uncertain Significance. Experimental studies and prediction algorithms are not available or were not evaluated, and the functional significance of this variant is currently unknown. This variant has not been reported in the literature in individuals affected with TET2-related conditions. This variant is not present in population databases (gnomAD no frequency). This sequence change creates a premature translational stop signal (p.Gln1699*) in the TET2 gene. While this is not anticipated to result in nonsense mediated decay, it is expected to disrupt the last 304 amino acid(s) of the TET2 protein.

NM_001127208.3(TET2):c.5095C>T (p.Gln1699Ter)

Genes: TET2 (tet methylcytosine dioxygenase 2; plus strand), TET2-AS1 (TET2 antisense RNA 1; minus strand). Cytogenetic location: 4q24.
Variant type: single nucleotide variant.
Coding change: c.5095C>T on transcript NM_001127208.3 (MANE Select); coding-DNA position 5095, C replaced by T.
Protein change: p.Gln1699Ter; replaces glutamine 1699 with a stop codon.
Molecular consequence: nonsense.
Genome position (GRCh38, 1-based): chr4:105,275,605, C>T. VCF-style: chr4-105275605-C-T. GRCh37 (hg19) VCF-style: chr4-106196762-C-T.
Other names: short protein forms Q1699*.
Identifiers: ClinVar variation 2792820 (VCV002792820.3), dbSNP rs2476749967, ClinGen allele CA357814476.